The following is an entry in ClinVar:

ClinVar aggregate classification (germline): Pathogenic (1 of 4 stars; one submission).

Conditions:
Hereditary cancer-predisposing syndrome. Also called: Hereditary neoplastic syndrome; Neoplastic Syndromes, Hereditary; Tumor predisposition; Hereditary Cancer Syndrome. Identifiers: Orphanet 140162, MedGen C0027672, MeSH D009386, MONDO:0015356.

Submission:

Ambry Genetics
Classification: Pathogenic for Hereditary cancer-predisposing syndrome. Last evaluated: 2022-07-20. Review status: criteria provided, single submitter. Criteria: Ambry Variant Classification Scheme 2023. Collection method: clinical testing. Allele origin: germline.
Comment: The p.E2660* pathogenic mutation (also known as c.7978G>T), located in coding exon 53 of the ATM gene, results from a G to T substitution at nucleotide position 7978. This changes the amino acid from a glutamic acid to a stop codon within coding exon 53. This variant is considered to be rare based on population cohorts in the Genome Aggregation Database (gnomAD). This alteration is expected to result in loss of function by premature protein truncation or nonsense-mediated mRNA decay. As such, this alteration is interpreted as a disease-causing mutation.

NM_000051.4(ATM):c.7978G>T (p.Glu2660Ter)

Genes: ATM (ATM serine/threonine kinase; plus strand), C11orf65 (chromosome 11 open reading frame 65; minus strand). Cytogenetic location: 11q22.3.
Variant type: single nucleotide variant.
Coding change: c.7978G>T on transcript NM_000051.4 (MANE Select); coding-DNA position 7978, G replaced by T.
Protein change: p.Glu2660Ter; replaces glutamic acid 2660 with a stop codon.
Molecular consequence: nonsense. On other transcripts: intron variant (2).
Genome position (GRCh38, 1-based): chr11:108,333,936, G>T. VCF-style: chr11-108333936-G-T. GRCh37 (hg19) VCF-style: chr11-108204663-G-T.
Other names: c.7978G>T, p.Glu2660Ter (NM_001351834.2); c.641-24865C>A (NM_001330368.2); c.*38+1284C>A (NM_001351110.2); short protein forms E2660*.
Identifiers: ClinVar variation 1761440 (VCV001761440.2), dbSNP rs2136615248, ClinGen allele CA382561753.